The following is an entry in ClinVar:

NM_001458.5(FLNC):c.319C>T (p.Leu107Phe)

Gene: FLNC (filamin C; plus strand). Cytogenetic location: 7q32.1.
Variant type: single nucleotide variant.
Coding change: c.319C>T on transcript NM_001458.5 (MANE Select); coding-DNA position 319, C replaced by T.
Protein change: p.Leu107Phe; replaces leucine 107 with phenylalanine.
Molecular consequence: missense variant.
Genome position (GRCh38, 1-based): chr7:128,830,956, C>T. VCF-style: chr7-128830956-C-T. GRCh37 (hg19) VCF-style: chr7-128471010-C-T.
Other names: c.319C>T, p.Leu107Phe (NM_001127487.2); short protein forms L107F.
Identifiers: ClinVar variation 4258296 (VCV004258296.1).

ClinVar aggregate classification (germline): Uncertain significance (1 of 4 stars; one submission).

Conditions:
Cardiovascular phenotype. Identifiers: MedGen CN230736.

gnomAD v4.1: 1 of 1,610,690 alleles (0.000062%); highest among the groups gnomAD compares: South Asian, 0.0011%; no homozygotes.

Submission:

Ambry Genetics
Classification: Uncertain significance for Cardiovascular phenotype. Last evaluated: 2025-09-07. Review status: criteria provided, single submitter. Criteria: Ambry Variant Classification Scheme 2023. Collection method: clinical testing. Allele origin: germline.
Comment: The p.L107F variant (also known as c.319C>T), located in coding exon 1 of the FLNC gene, results from a C to T substitution at nucleotide position 319. The leucine at codon 107 is replaced by phenylalanine, an amino acid with highly similar properties. This amino acid position is conserved. In addition, the in silico prediction for this alteration is inconclusive. Based on the available evidence, the clinical significance of this variant remains unclear.